The following is an entry in ClinVar:

ClinVar aggregate classification (germline): Uncertain significance. Review status: criteria provided, multiple submitters, no conflicts (2 of 4 stars). 2 submissions from 2 submitters: Uncertain significance (2). Last evaluated 2025-08-09.

Conditions:
Early-onset Lafora body disease. Also called: Epilepsy, progressive myoclonic, 10. Identifiers: Orphanet 324290, MedGen C4225258, MONDO:0014717, OMIM 616640.

Allele frequency attached by ClinVar (database versions not stated): TOPMed below 0.00001.

Submissions (2):

Ambry Genetics
Classification: Uncertain significance. Last evaluated: 2025-08-09. Review status: criteria provided, single submitter. Criteria: Ambry Variant Classification Scheme 2023. Collection method: clinical testing. Allele origin: germline.

Labcorp Genetics (formerly Invitae), Labcorp
Classification: Uncertain significance for Early-onset Lafora body disease. Last evaluated: 2021-09-05. Review status: criteria provided, single submitter. Criteria: Invitae Variant Classification Sherloc (09022015). Collection method: clinical testing. Allele origin: germline.
Comment: In summary, the available evidence is currently insufficient to determine the role of this variant in disease. Therefore, it has been classified as a Variant of Uncertain Significance. Algorithms developed to predict the effect of missense changes on protein structure and function are either unavailable or do not agree on the potential impact of this missense change (SIFT: "Deleterious"; PolyPhen-2: "Possibly Damaging"; Align-GVGD: "Class C0"). This variant has not been reported in the literature in individuals affected with PRDM8-related conditions. This variant is not present in population databases (ExAC no frequency). This sequence change replaces glutamic acid with lysine at codon 84 of the PRDM8 protein (p.Glu84Lys). The glutamic acid residue is highly conserved and there is a small physicochemical difference between glutamic acid and lysine.

NM_001099403.2(PRDM8):c.250G>A (p.Glu84Lys)

Genes: PRDM8 (PR/SET domain 8; plus strand), LOC126807094 (CDK7 strongly-dependent group 2 enhancer GRCh37_chr4:81121978-81123177; plus strand). Cytogenetic location: 4q21.21.
Variant type: single nucleotide variant.
Coding change: c.250G>A on transcript NM_001099403.2 (MANE Select); coding-DNA position 250, G replaced by A.
Protein change: p.Glu84Lys; replaces glutamic acid 84 with lysine.
Molecular consequence: missense variant.
Genome position (GRCh38, 1-based): chr4:80,201,320, G>A. VCF-style: chr4-80201320-G-A. GRCh37 (hg19) VCF-style: chr4-81122474-G-A.
Other names: c.250G>A (NM_020226.3); c.250G>A, p.Glu84Lys (NM_020226.4); short protein forms E84K.
Identifiers: ClinVar variation 1405204 (VCV001405204.7), dbSNP rs1738421294, ClinGen allele CA357392538.